The following is an entry in ClinVar:

ClinVar aggregate classification (germline): Uncertain significance. Review status: criteria provided, multiple submitters, no conflicts (2 of 4 stars). 5 submissions from 5 submitters: Uncertain significance (5). Last evaluated 2025-05-28.

Conditions:
Long QT syndrome 13 (LQT13). Identifiers: Orphanet 101016, Orphanet 768, MedGen C3150733, MONDO:0013279, OMIM 613485.
Familial hyperaldosteronism type III. Also called: FH III; Familial hyperaldosteronism type 3. Identifiers: Orphanet 251274, MedGen C3838758, MONDO:0013359, OMIM 613677.
Cardiovascular phenotype. Identifiers: MedGen CN230736.
Long QT syndrome (LQTS). Identifiers: MedGen C0023976, MeSH D008133, MONDO:0002442. Disease mechanism: loss of function. Inheritance: Various modes of inheritance.

Allele frequency attached by ClinVar (database versions not stated): ExAC 0.00001; gnomAD 0.00001; TOPMed 0.00001; gnomAD exomes 0.00002 and 0.00003.

Submissions (5):

Ambry Genetics
Classification: Uncertain significance for Cardiovascular phenotype. Last evaluated: 2025-05-28. Review status: criteria provided, single submitter. Criteria: Ambry Variant Classification Scheme 2023. Collection method: clinical testing. Allele origin: germline.
Comment: The p.R87C variant (also known as c.259C>T), located in coding exon 1 of the KCNJ5 gene, results from a C to T substitution at nucleotide position 259. The arginine at codon 87 is replaced by cysteine, an amino acid with highly dissimilar properties. This amino acid position is highly conserved in available vertebrate species. In addition, this alteration is predicted to be deleterious by in silico analysis. Since supporting evidence is limited at this time, the clinical significance of this alteration remains unclear.

Labcorp Genetics (formerly Invitae), Labcorp
Classification: Uncertain significance for Long QT syndrome. Last evaluated: 2023-12-04. Review status: criteria provided, single submitter. Criteria: Invitae Variant Classification Sherloc (09022015). Collection method: clinical testing. Allele origin: germline.
Comment: This sequence change replaces arginine, which is basic and polar, with cysteine, which is neutral and slightly polar, at codon 87 of the KCNJ5 protein (p.Arg87Cys). This variant is present in population databases (rs781022847, gnomAD 0.006%). This variant has not been reported in the literature in individuals affected with KCNJ5-related conditions. ClinVar contains an entry for this variant (Variation ID: 1396809). Advanced modeling of protein sequence and biophysical properties (such as structural, functional, and spatial information, amino acid conservation, physicochemical variation, residue mobility, and thermodynamic stability) performed at Invitae indicates that this missense variant is expected to disrupt KCNJ5 protein function with a positive predictive value of 80%. In summary, the available evidence is currently insufficient to determine the role of this variant in disease. Therefore, it has been classified as a Variant of Uncertain Significance.

GeneDx
Classification: Uncertain significance. Last evaluated: 2022-03-29. Review status: criteria provided, single submitter. Criteria: GeneDx Variant Classification Process June 2021. Collection method: clinical testing. Allele origin: germline. Affected: yes.
Comment: Has not been previously published as pathogenic or benign to our knowledge; Not observed at significant frequency in large population cohorts (gnomAD); In silico analysis supports that this missense variant has a deleterious effect on protein structure/function

AiLife Diagnostics
Classification: Uncertain significance. Last evaluated: 2022-02-16. Review status: criteria provided, single submitter. Criteria: ACMG Guidelines, 2015. Collection method: clinical testing. Allele origin: germline. Affected: yes. Observed: 1 variant allele.

Fulgent Genetics
Classification: Uncertain significance for Long QT syndrome 13; Familial hyperaldosteronism type III. Last evaluated: 2021-08-06. Review status: criteria provided, single submitter. Criteria: ACMG Guidelines, 2015. Collection method: clinical testing. Allele origin: unknown.

NM_000890.5(KCNJ5):c.259C>T (p.Arg87Cys)

Gene: KCNJ5 (potassium inwardly rectifying channel subfamily J member 5; plus strand). Cytogenetic location: 11q24.3.
Variant type: single nucleotide variant.
Coding change: c.259C>T on transcript NM_000890.5 (MANE Select); coding-DNA position 259, C replaced by T.
Protein change: p.Arg87Cys; replaces arginine 87 with cysteine.
Molecular consequence: missense variant.
Genome position (GRCh38, 1-based): chr11:128,911,532, C>T. VCF-style: chr11-128911532-C-T. GRCh37 (hg19) VCF-style: chr11-128781427-C-T.
Other names: c.259C>T, p.Arg87Cys (NM_001354169.2); short protein forms R87C.
Identifiers: ClinVar variation 1396809 (VCV001396809.14), dbSNP rs781022847, ClinGen allele CA6357845.